The following is an entry in ClinVar:

NM_182641.4(BPTF):c.7700+4G>T

Gene: BPTF (bromodomain PHD finger transcription factor; plus strand). Cytogenetic location: 17q24.2.
Variant type: single nucleotide variant.
Coding change: c.7700+4G>T on transcript NM_182641.4 (MANE Select); 4 bases into the intron after coding-DNA position 7700, G replaced by T.
Molecular consequence: intron variant.
Genome position (GRCh38, 1-based): chr17:67,947,812, G>T. VCF-style: chr17-67947812-G-T. GRCh37 (hg19) VCF-style: chr17-65943928-G-T.
Other names: c.7649+4G>T (NM_004459.7).
Identifiers: ClinVar variation 2871212 (VCV002871212.3), dbSNP rs1267327342, ClinGen allele CA627161622.
Genomic context (GRCh38, chr17:67,947,812, plus strand): 5'-AGAACATTTAAAACAGAAAAAGAGCATGACTCCAGCTGAAAGAGAAGAGAATCAAAGGTA[G>T]GGGAGACGCAGGGTCTTGTTGTCTGTCCGTCTCTTCTCTTTATCGTGCACACGCACAGAG-3'

ClinVar aggregate classification (germline): Uncertain significance (1 of 4 stars; one submission).

Allele frequency attached by ClinVar (database versions not stated): gnomAD 0.00002; TOPMed 0.00002.
gnomAD v4.1: 18 of 1,551,650 alleles (0.0012%); highest among the groups gnomAD compares: East Asian, 0.037%; no homozygotes.

Submission:

Labcorp Genetics (formerly Invitae), Labcorp
Classification: Uncertain significance. Last evaluated: 2025-11-12. Review status: criteria provided, single submitter. Criteria: Invitae Variant Classification Sherloc (09022015). Collection method: clinical testing. Allele origin: germline.
Comment: This sequence change falls in intron 24 of the BPTF gene. It does not directly change the encoded amino acid sequence of the BPTF protein. It affects a nucleotide within the consensus splice site. This variant is present in population databases (no rsID available, gnomAD 0.04%). This variant has not been reported in the literature in individuals affected with BPTF-related conditions. ClinVar contains an entry for this variant (Variation ID: 2871212). Variants that disrupt the consensus splice site are a relatively common cause of aberrant splicing (PMID: 17576681, 9536098). Algorithms developed to predict the effect of sequence changes on RNA splicing suggest that this variant is not likely to affect RNA splicing. In summary, the available evidence is currently insufficient to determine the role of this variant in disease. Therefore, it has been classified as a Variant of Uncertain Significance.

Literature cited by the submitters: PubMed 17576681; PubMed 9536098.